The following is an entry in ClinVar:

ClinVar aggregate classification (germline): Uncertain significance. Review status: criteria provided, multiple submitters, no conflicts (2 of 4 stars). 2 submissions from 2 submitters: Uncertain significance (2). Last evaluated 2025-08-24.

Conditions:
Inborn genetic diseases. Identifiers: MedGen C0950123, MeSH D030342.

Allele frequency attached by ClinVar (database versions not stated): gnomAD exomes 0.00005; gnomAD 0.00006; ExAC 0.00007; 1000 Genomes Project 0.00020; 1000 Genomes Project 30x 0.00047.
gnomAD v4.1: 48 of 1,614,148 alleles (0.003%); highest among the groups gnomAD compares: South Asian, 0.046%; 1 homozygote.

Submissions (2):

Ambry Genetics
Classification: Uncertain significance for Inborn genetic diseases. Last evaluated: 2025-08-24. Review status: criteria provided, single submitter. Criteria: Ambry Variant Classification Scheme 2023. Collection method: clinical testing. Allele origin: germline.

Labcorp Genetics (formerly Invitae), Labcorp
Classification: Uncertain significance. Last evaluated: 2024-11-02. Review status: criteria provided, single submitter. Criteria: Invitae Variant Classification Sherloc (09022015). Collection method: clinical testing. Allele origin: germline.
Comment: This sequence change replaces arginine, which is basic and polar, with histidine, which is basic and polar, at codon 4896 of the FAT4 protein (p.Arg4896His). This variant is present in population databases (rs531333503, gnomAD 0.03%). This variant has not been reported in the literature in individuals affected with FAT4-related conditions. ClinVar contains an entry for this variant (Variation ID: 1378641). Invitae Evidence Modeling of protein sequence and biophysical properties (such as structural, functional, and spatial information, amino acid conservation, physicochemical variation, residue mobility, and thermodynamic stability) indicates that this missense variant is not expected to disrupt FAT4 protein function with a negative predictive value of 95%. In summary, the available evidence is currently insufficient to determine the role of this variant in disease. Therefore, it has been classified as a Variant of Uncertain Significance.

NM_001291303.3(FAT4):c.14693G>A (p.Arg4898His)

Gene: FAT4 (FAT atypical cadherin 4; plus strand). Cytogenetic location: 4q28.1.
Variant type: single nucleotide variant.
Coding change: c.14693G>A on transcript NM_001291303.3 (MANE Select); coding-DNA position 14693, G replaced by A.
Protein change: p.Arg4898His; replaces arginine 4898 with histidine.
Molecular consequence: missense variant.
Genome position (GRCh38, 1-based): chr4:125,491,509, G>A. VCF-style: chr4-125491509-G-A. GRCh37 (hg19) VCF-style: chr4-126412664-G-A.
Other names: c.14690G>A, p.Arg4897His (NM_001291285.3); c.14687G>A, p.Arg4896His (NM_024582.6); c.14687G>A (NM_024582.4); short protein forms R4896H, R4897H, R4898H.
Identifiers: ClinVar variation 1378641 (VCV001378641.6), dbSNP rs531333503, ClinGen allele CA3074609.
Genomic context (GRCh38, chr4:125,491,509, plus strand): 5'-CTGATGCAGATGATGAAGATAATTATGGAGCCAGACTGAAGCCTCGAAGGTACCACGGTC[G>A]CAGGGCCGAGGGAGGACCTGTGGGCACCCAGGCAGCAGCACCAGGCACTGCTGACAACAC-3'
Protein context (NP_001278232.1, residues 4888-4908): ARLKPRRYHG[Arg4898His]RAEGGPVGTQ